The following is an entry in ClinVar:

NM_014694.4(ADAMTSL2):c.1393G>A (p.Ala465Thr)

Gene: ADAMTSL2 (ADAMTS like 2; plus strand). Cytogenetic location: 9q34.2.
Variant type: single nucleotide variant.
Coding change: c.1393G>A on transcript NM_014694.4 (MANE Select); coding-DNA position 1393, G replaced by A.
Protein change: p.Ala465Thr; replaces alanine 465 with threonine.
Molecular consequence: missense variant.
Genome position (GRCh38, 1-based): chr9:133,555,674, G>A. VCF-style: chr9-133555674-G-A. GRCh37 (hg19) VCF-style: chr9-136420796-G-A.
Other names: c.1393G>A, p.Ala465Thr (NM_001145320.2); short protein forms A465T.
Identifiers: ClinVar variation 5002858 (VCV005002858.1).

ClinVar aggregate classification (germline): Uncertain significance (1 of 4 stars; one submission).

Conditions:
Geleophysic dysplasia 1 (GPHYSD1). Also called: Geleophysic dwarfism. Identifiers: Orphanet 2623, MedGen C3278147, MONDO:0009269, OMIM 231050.

gnomAD v4.1: 24 of 1,613,718 alleles (0.0015%); highest among the groups gnomAD compares: Admixed American, 0.018%; no homozygotes.

Submission:

OLLIN Analises Genomicas, OLLIN
Classification: Uncertain significance for Geleophysic dysplasia 1. Last evaluated: 2026-08-06. Review status: criteria provided, single submitter. Criteria: ACMG Guidelines 2015 PMID 25741868. Collection method: clinical testing. Allele origin: germline. Inheritance: Autosomal recessive inheritance.
Comment: This missense variant, located in exon 11 (of 19), has been observed in gnomAD with an allele frequency of 0.0015%, but has not been reported in ClinVar or identified in the literature. In silico analysis predicts that this variant has a tolerated effect. According to the currently available evidence, this variant has been classified as uncertain significance (PM2_P, BP4_M).